The following is an entry in ClinVar:

ClinVar aggregate classification (germline): Likely benign. Review status: criteria provided, multiple submitters, no conflicts (2 of 4 stars). 3 submissions from 3 submitters: Likely benign (3). Last evaluated 2026-08-07.

Conditions:
Pitt-Hopkins-like syndrome 2 (PTHSL2). Identifiers: Orphanet 221150, Orphanet 600663, MedGen C3280479, MONDO:0013690, OMIM 614325.
NRXN1-related disorder.

gnomAD v4.1: 1 of 1,613,844 alleles (0.000062%); highest among the groups gnomAD compares: South Asian, 0.0011%; no homozygotes.

Submissions (3):

PreventionGenetics, part of Exact Sciences
Classification: Likely benign for NRXN1-related condition. Last evaluated: 2026-08-07. Review status: criteria provided, single submitter. Criteria: ACMG Guidelines, 2015. Collection method: clinical testing. Allele origin: germline.
Comment: This variant is classified as likely benign based on ACMG/AMP sequence variant interpretation guidelines (Richards et al. 2015 PMID: 25741868, with internal and published modifications).

Labcorp Genetics (formerly Invitae), Labcorp
Classification: Likely benign for Pitt-Hopkins-like syndrome 2. Last evaluated: 2022-02-10. Review status: criteria provided, single submitter. Criteria: Invitae Variant Classification Sherloc (09022015). Collection method: clinical testing. Allele origin: germline.

GeneDx
Classification: Likely benign. Last evaluated: 2018-02-01. Review status: criteria provided, single submitter. Criteria: GeneDx Variant Classification (06012015). Collection method: clinical testing. Allele origin: germline. Affected: yes.
Comment: This variant is considered likely benign or benign based on one or more of the following criteria: it is a conservative change, it occurs at a poorly conserved position in the protein, it is predicted to be benign by multiple in silico algorithms, and/or has population frequency not consistent with disease.

NM_001330078.2(NRXN1):c.1696C>T (p.Leu566=)

Gene: NRXN1 (neurexin 1; minus strand). Cytogenetic location: 2p16.3.
Variant type: single nucleotide variant.
Coding change: c.1696C>T on transcript NM_001330078.2 (MANE Select); coding-DNA position 1696, C replaced by T.
Protein change: p.Leu566=; no amino-acid change (leucine 566 retained).
Molecular consequence: synonymous variant.
Genome position (GRCh38, 1-based): chr2:50,552,650, G>A on the plus strand (C>T on the coding strand, the complement: NRXN1 is on the minus strand). VCF-style: chr2-50552650-G-A. GRCh37 (hg19) VCF-style: chr2-50779788-G-A.
Other names: c.1816C>T, p.Leu606= (NM_001135659.3); c.1672C>T, p.Leu558= (NM_001330077.2, NM_001330082.2, NM_001330095.2); c.1657C>T, p.Leu553= (NM_001330083.2, NM_001330084.2); c.1696C>T, p.Leu566= (NM_001330085.2, NM_001330086.2, NM_004801.6); c.1612C>T, p.Leu538= (NM_001330087.2, NM_001330096.2); c.1642C>T, p.Leu548= (NM_001330088.2); c.1693C>T, p.Leu565= (NM_001330093.2); c.1684C>T, p.Leu562= (NM_001330094.2); and 1 more.
Identifiers: ClinVar variation 388863 (VCV000388863.6), dbSNP rs754703742, ClinGen allele CA16604331.